The following is an entry in ClinVar:

NM_177438.3(DICER1):c.5287C>T (p.Pro1763Ser)

Gene: DICER1 (dicer 1, ribonuclease III; minus strand). Cytogenetic location: 14q32.13.
Variant type: single nucleotide variant.
Coding change: c.5287C>T on transcript NM_177438.3 (MANE Select); coding-DNA position 5287, C replaced by T.
Protein change: p.Pro1763Ser; replaces proline 1763 with serine.
Molecular consequence: missense variant. On other transcripts: non-coding transcript variant (6).
Genome position (GRCh38, 1-based): chr14:95,093,965, G>A on the plus strand (C>T on the coding strand, the complement: DICER1 is on the minus strand). VCF-style: chr14-95093965-G-A. GRCh37 (hg19) VCF-style: chr14-95560302-G-A.
Other names: c.5287C>T, p.Pro1763Ser (NM_001195573.1, NM_001271282.3, NM_001291628.2 and 9 more transcripts); c.5005C>T, p.Pro1669Ser (NM_001395686.1); c.4882C>T, p.Pro1628Ser (NM_001395687.1, NM_001395688.1, NM_001395689.1 and 1 more transcripts); c.4720C>T, p.Pro1574Ser (NM_001395691.1); c.3604C>T, p.Pro1202Ser (NM_001395697.1); short protein forms P1628S, P1669S, P1202S, P1574S, P1763S.
Identifiers: ClinVar variation 1934672 (VCV001934672.6), dbSNP rs2542440214, ClinGen allele CA390865031.

ClinVar aggregate classification (germline): Uncertain significance. Review status: criteria provided, multiple submitters, no conflicts (2 of 4 stars). 2 submissions from 2 submitters: Uncertain significance (2). Last evaluated 2024-04-22.

Conditions:
Global developmental delay - lung cysts - overgrowth - Wilms tumor syndrome. Also called: GLOW Syndrome; GLOBAL DEVELOPMENTAL DELAY, LUNG CYSTS, OVERGROWTH, AND WILMS TUMOR. Identifiers: Orphanet 404476, MedGen C4748924, MONDO:0018445, OMIM 618272.
DICER1-related tumor predisposition. Also called: DICER1-related pleuropulmonary blastoma cancer predisposition syndrome; DICER1 syndrome. Identifiers: Orphanet 284343, MedGen C3839822, MONDO:0100216.

Submissions (2):

Labcorp Genetics (formerly Invitae), Labcorp
Classification: Uncertain significance for DICER1-related tumor predisposition. Last evaluated: 2024-04-22. Review status: criteria provided, single submitter. Criteria: Invitae Variant Classification Sherloc (09022015). Collection method: clinical testing. Allele origin: germline.
Comment: This sequence change replaces proline, which is neutral and non-polar, with serine, which is neutral and polar, at codon 1763 of the DICER1 protein (p.Pro1763Ser). This variant is not present in population databases (gnomAD no frequency). This variant has not been reported in the literature in individuals affected with DICER1-related conditions. ClinVar contains an entry for this variant (Variation ID: 1934672). Advanced modeling of protein sequence and biophysical properties (such as structural, functional, and spatial information, amino acid conservation, physicochemical variation, residue mobility, and thermodynamic stability) performed at Invitae indicates that this missense variant is expected to disrupt DICER1 protein function with a positive predictive value of 80%. In summary, the available evidence is currently insufficient to determine the role of this variant in disease. Therefore, it has been classified as a Variant of Uncertain Significance.

Baylor Genetics
Classification: Uncertain significance for Global developmental delay - lung cysts - overgrowth - Wilms tumor syndrome. Last evaluated: 2023-08-04. Review status: criteria provided, single submitter. Criteria: ACMG Guidelines, 2015. Collection method: clinical testing. Allele origin: unknown.